The following is an entry in ClinVar:

ClinVar aggregate classification (germline): Likely benign. Review status: criteria provided, multiple submitters, no conflicts (2 of 4 stars). 4 submissions from 4 submitters: Likely benign (4). Last evaluated 2026-01-08.

Conditions:
Cardiovascular phenotype. Identifiers: MedGen CN230736.
Arrhythmogenic right ventricular dysplasia 11. Also called: ARRHYTHMOGENIC RIGHT VENTRICULAR DYSPLASIA, FAMILIAL, 11; Arrhythmogenic Right Ventricular Dysplasia/Cardiomyopathy11; Arrhythmogenic right ventricular dysplasia 11 with mild palmoplantar keratoderma and woolly hair. Identifiers: MedGen C1864850, MONDO:0012506, OMIM 610476.
Familial isolated arrhythmogenic right ventricular dysplasia. Identifiers: Orphanet 217656, MedGen C4274968, MONDO:0016342.
Cardiomyopathy (CMYO). Also called: Cardiomyopathies. Identifiers: Orphanet 167848, MedGen C0878544, MONDO:0004994, HP:0001638. Inheritance: Various modes of inheritance.

Allele frequency attached by ClinVar (database versions not stated): gnomAD 0.00001; gnomAD exomes 0.00001; TOPMed 0.00002.
gnomAD v4.1: 12 of 1,613,594 alleles (0.00074%); highest among the groups gnomAD compares: African/African-American, 0.0027%; no homozygotes.

Submissions (4):

Labcorp Genetics (formerly Invitae), Labcorp
Classification: Likely benign for Arrhythmogenic right ventricular dysplasia 11. Last evaluated: 2026-01-08. Review status: criteria provided, single submitter. Criteria: Invitae Variant Classification Sherloc (09022015). Collection method: clinical testing. Allele origin: germline.

All of Us Research Program, National Institutes of Health
Classification: Likely benign for Familial isolated arrhythmogenic right ventricular dysplasia. Last evaluated: 2023-11-30. Review status: criteria provided, single submitter. Criteria: ACMG Guidelines, 2015. Collection method: clinical testing. Allele origin: germline. Inheritance: Autosomal dominant inheritance. Observed: 9 variant alleles, 9 heterozygotes.
Comment: This study involves interpretation of variants in research participants for the purpose of population health screening. Participant phenotype was not available at the time of variant classification. Additional details can be found in publication PMID: 35346344, PMCID: PMC8962531

Ambry Genetics
Classification: Likely benign for Cardiovascular phenotype. Last evaluated: 2020-05-14. Review status: criteria provided, single submitter. Criteria: Ambry Variant Classification Scheme 2023. Collection method: clinical testing. Allele origin: germline.

Color Diagnostics, LLC DBA Color Health
Classification: Likely benign for Cardiomyopathy. Last evaluated: 2019-03-19. Review status: criteria provided, single submitter. Criteria: ACMG Guidelines, 2015. Collection method: clinical testing. Allele origin: germline.

NM_024422.6(DSC2):c.237C>T (p.Val79=)

Gene: DSC2 (desmocollin 2; minus strand). Cytogenetic location: 18q12.1.
Variant type: single nucleotide variant.
Coding change: c.237C>T on transcript NM_024422.6 (MANE Select); coding-DNA position 237, C replaced by T.
Protein change: p.Val79=; no amino-acid change (valine 79 retained).
Molecular consequence: synonymous variant.
Genome position (GRCh38, 1-based): chr18:31,092,218, G>A on the plus strand (C>T on the coding strand, the complement: DSC2 is on the minus strand). VCF-style: chr18-31092218-G-A. GRCh37 (hg19) VCF-style: chr18-28672181-G-A.
Other names: c.237C>T, p.Val79= (NM_004949.5).
Identifiers: ClinVar variation 921277 (VCV000921277.9), dbSNP rs1002646457, ClinGen allele CA297644447.